The following is an entry in ClinVar:

ClinVar aggregate classification (germline): Uncertain significance (1 of 4 stars; one submission).

Conditions:
Fanconi anemia complementation group J. Also called: BRIP1-Related Fanconi Anemia. Identifiers: Orphanet 84, MedGen C1836860, MONDO:0012187, OMIM 609054.
Familial cancer of breast. Also called: BREAST CANCER, FAMILIAL; hereditary breast carcinoma; Hereditary breast cancer. Identifiers: Orphanet 227535, MedGen C0346153, MONDO:0016419, OMIM 114480. Disease mechanism: loss of function.

Allele frequency attached by ClinVar (database versions not stated): gnomAD exomes below 0.00001.
gnomAD v4.1: 1 of 1,604,630 alleles (0.000062%); highest among the groups gnomAD compares: Non-Finnish European, 0.000085%; no homozygotes.

Submission:

Labcorp Genetics (formerly Invitae), Labcorp
Classification: Uncertain significance for Familial cancer of breast; Fanconi anemia complementation group J. Last evaluated: 2020-02-11. Review status: criteria provided, single submitter. Criteria: Invitae Variant Classification Sherloc (09022015). Collection method: clinical testing. Allele origin: germline.
Comment: This sequence change replaces leucine with tryptophan at codon 490 of the BRIP1 protein (p.Leu490Trp). The leucine residue is highly conserved and there is a small physicochemical difference between leucine and tryptophan. This variant is not present in population databases (ExAC no frequency). This variant has not been reported in the literature in individuals with BRIP1-related conditions. Algorithms developed to predict the effect of missense changes on protein structure and function are either unavailable or do not agree on the potential impact of this missense change (SIFT: "Deleterious"; PolyPhen-2: "Probably Damaging"; Align-GVGD: "Class C0"). In summary, the available evidence is currently insufficient to determine the role of this variant in disease. Therefore, it has been classified as a Variant of Uncertain Significance.

NM_032043.3(BRIP1):c.1469T>G (p.Leu490Trp)

Gene: BRIP1 (BRCA1 interacting DNA helicase 1; minus strand). Cytogenetic location: 17q23.2.
Variant type: single nucleotide variant.
Coding change: c.1469T>G on transcript NM_032043.3 (MANE Select); coding-DNA position 1469, T replaced by G.
Protein change: p.Leu490Trp; replaces leucine 490 with tryptophan.
Molecular consequence: missense variant.
Genome position (GRCh38, 1-based): chr17:61,793,601, A>C on the plus strand (T>G on the coding strand, the complement: BRIP1 is on the minus strand). VCF-style: chr17-61793601-A-C. GRCh37 (hg19) VCF-style: chr17-59870962-A-C.
Other names: short protein forms L490W.
Identifiers: ClinVar variation 1021893 (VCV001021893.10), dbSNP rs2077852333, ClinGen allele CA400482038.